The following is an entry in ClinVar:

ClinVar aggregate classification (germline): Likely pathogenic. Review status: criteria provided, multiple submitters, no conflicts (2 of 4 stars). 2 submissions from 2 submitters: Likely pathogenic (2). Last evaluated 2025-08-15.

Conditions:
Fanconi anemia complementation group L (FANCL). Also called: FANCL-Related Fanconi Anemia. Identifiers: Orphanet 84, MedGen C3469528, MONDO:0013566, OMIM 614083.
FANCL-related disorder. Also called: FANCL-related condition.

Allele frequency attached by ClinVar (database versions not stated): gnomAD exomes below 0.00001; ExAC 0.00001.

Submissions (2):

PreventionGenetics, part of Exact Sciences
Classification: Likely pathogenic for FANCL-related condition. Last evaluated: 2025-08-15. Review status: criteria provided, single submitter. Criteria: ACMG Guidelines, 2015. Collection method: clinical testing. Allele origin: germline.
Comment: The FANCL c.442delC variant is predicted to result in a frameshift and premature protein termination (p.His148Ilefs*2). To our knowledge, this variant has not been reported in the literature. This variant is reported in 0.00088% of alleles in individuals of European (Non-Finnish) descent in gnomAD. Frameshift variants in FANCL are expected to be pathogenic. This variant is interpreted as likely pathogenic.

Baylor Genetics
Classification: Likely pathogenic for Fanconi anemia complementation group L. Last evaluated: 2024-02-20. Review status: criteria provided, single submitter. Criteria: ACMG Guidelines, 2015. Collection method: clinical testing. Allele origin: unknown.

NM_018062.4(FANCL):c.442del (p.His148fs)

Gene: FANCL (FA complementation group L; minus strand). Cytogenetic location: 2p16.1.
Variant type: Deletion.
Coding change: c.442del on transcript NM_018062.4 (MANE Select); coding-DNA position 442, one base deleted (C; older notation c.442delC).
Protein change: p.His148fs; shifts the reading frame from histidine 148.
Molecular consequence: frameshift variant.
Genome position (GRCh38, 1-based): chr2:58,204,159, G deleted on the plus strand (C on the coding strand, the reverse complement: FANCL is on the minus strand). VCF-style (leftmost placement, unchanged base first): chr2-58204158-TG-T. GRCh37 (hg19) VCF-style: chr2-58431293-TG-T.
Other names: c.442delC, p.His148Ilefs (NM_001114636.2); c.442del, p.His148fs (NM_001374615.1, NM_001410792.1); c.442delC (NM_001114636.1); short protein forms H148fs.
Identifiers: ClinVar variation 3241614 (VCV003241614.2), dbSNP rs774650533.